The following is an entry in ClinVar:

NM_002971.6(SATB1):c.1247A>C (p.Lys416Thr)

Gene: SATB1 (SATB homeobox 1; minus strand). Cytogenetic location: 3p24.3.
Variant type: single nucleotide variant.
Coding change: c.1247A>C on transcript NM_002971.6 (MANE Select); coding-DNA position 1247, A replaced by C.
Protein change: p.Lys416Thr; replaces lysine 416 with threonine.
Molecular consequence: missense variant.
Genome position (GRCh38, 1-based): chr3:18,386,571, T>G on the plus strand (A>C on the coding strand, the complement: SATB1 is on the minus strand). VCF-style: chr3-18386571-T-G. GRCh37 (hg19) VCF-style: chr3-18428063-T-G.
Other names: c.1247A>C, p.Lys416Thr (NM_001131010.4, NM_001195470.3, NM_001322871.2 and 4 more transcripts); c.1031A>C, p.Lys344Thr (NM_001322876.2); short protein forms K344T, K416T.
Identifiers: ClinVar variation 2574990 (VCV002574990.1), dbSNP rs2470592992, ClinGen allele CA351855276.
Genomic context (GRCh38, chr3:18,386,571, plus strand): 5'-GGTAACTGCAAGAAATTCTGCATAGCCCGAAGGTTTACCAGCAAAGACTGGGATGCAGTC[T>G]TGGGGTCCTCTTCCTTTCGGAGGATTTCTGAAAGCAAGCCCTGCAAGAAATGAAAGGCAC-3'
Protein context (NP_002962.1, residues 406-426): SEILRKEEDP[Lys416Thr]TASQSLLVNL

ClinVar aggregate classification (germline): Uncertain significance (1 of 4 stars; one submission).

Submission:

GeneDx
Classification: Uncertain significance. Last evaluated: 2023-02-07. Review status: criteria provided, single submitter. Criteria: GeneDx Variant Classification Process June 2021. Collection method: clinical testing. Allele origin: germline. Affected: yes.
Comment: Not observed at significant frequency in large population cohorts (gnomAD); In silico analysis supports that this missense variant does not alter protein structure/function; Has not been previously published as pathogenic or benign to our knowledge